The following is an entry in ClinVar:

ClinVar aggregate classification (germline): Likely benign (1 of 4 stars; one submission).

Submission:

CeGaT Center for Human Genetics Tuebingen
Classification: Likely benign. Last evaluated: 2026-03-01. Review status: criteria provided, single submitter. Criteria: CeGaT Center For Human Genetics Tuebingen Variant Classification Criteria Version 2. Collection method: clinical testing. Allele origin: germline. Affected: yes. Observed: 1 variant allele.
Comment: CDKN1C: BP4, BP7

NM_001122630.2(CDKN1C):c.297G>C (p.Ala99=)

Gene: CDKN1C (cyclin dependent kinase inhibitor 1C; minus strand). Cytogenetic location: 11p15.4.
Variant type: single nucleotide variant.
Coding change: c.297G>C on transcript NM_001122630.2 (MANE Select); coding-DNA position 297, G replaced by C.
Protein change: p.Ala99=; no amino-acid change (alanine 99 retained).
Molecular consequence: synonymous variant. On other transcripts: intron variant (1).
Genome position (GRCh38, 1-based): chr11:2,885,160, C>G on the plus strand (G>C on the coding strand, the complement: CDKN1C is on the minus strand). VCF-style: chr11-2885160-C-G. GRCh37 (hg19) VCF-style: chr11-2906390-C-G.
Other names: c.330G>C, p.Ala110= (NM_000076.2, NM_001362474.2); c.297G>C, p.Ala99= (NM_001122631.2); c.255+42G>C (NM_001362475.2).
Identifiers: ClinVar variation 4823736 (VCV004823736.4).
Genomic context (GRCh38, chr11:2,885,160, plus strand): 5'-CTCGAGGCCGTCGAGGGACTCAGCGGCCGGCTCGAGGGGCGGGCTGACAGCCACCGCGAC[C>G]GCGACGGGCCGCGGCGCCAGCAGCAGGCGGCAGCGCCCCACCTGCACCGTCTCGCGGTAG-3'
Protein context (NP_001116102.1, residues 89-109): CRLLLAPRPV[Ala99=]VAVAVSPPLE